The following is an entry in ClinVar:

ClinVar aggregate classification (germline): Pathogenic. Review status: criteria provided, multiple submitters, no conflicts (2 of 4 stars). 2 submissions from 2 submitters: Pathogenic (2). Last evaluated 2025-09-04.

Conditions:
Hereditary cancer-predisposing syndrome. Also called: Hereditary Cancer Syndrome; Neoplastic Syndromes, Hereditary; Tumor predisposition; Hereditary neoplastic syndrome. Identifiers: Orphanet 140162, MedGen C0027672, MeSH D009386, MONDO:0015356.

Submissions (2):

Labcorp Genetics (formerly Invitae), Labcorp
Classification: Pathogenic. Last evaluated: 2025-09-04. Review status: criteria provided, single submitter. Criteria: Invitae Variant Classification Sherloc (09022015). Collection method: clinical testing. Allele origin: germline.
Comment: This sequence change creates a premature translational stop signal (p.Gln345*) in the CTNNA1 gene. It is expected to result in an absent or disrupted protein product. Loss-of-function variants in CTNNA1 are known to be pathogenic (PMID: 32051609, 34425242). This variant is not present in population databases (gnomAD no frequency). This variant has not been reported in the literature in individuals affected with CTNNA1-related conditions. ClinVar contains an entry for this variant (Variation ID: 1022142). For these reasons, this variant has been classified as Pathogenic.

Ambry Genetics
Classification: Pathogenic for Hereditary cancer-predisposing syndrome. Last evaluated: 2025-05-30. Review status: criteria provided, single submitter. Criteria: Ambry Variant Classification Scheme 2023. Collection method: clinical testing. Allele origin: germline.
Comment: The p.Q345* pathogenic mutation (also known as c.1033C>T), located in coding exon 6 of the CTNNA1 gene, results from a C to T substitution at nucleotide position 1033. This changes the amino acid from a glutamine to a stop codon within coding exon 6. This variant is considered to be rare based on population cohorts in the Genome Aggregation Database (gnomAD). This alteration is expected to result in loss of function by premature protein truncation or nonsense-mediated mRNA decay. As such, this alteration is interpreted as a disease-causing mutation.

Literature cited by the submitters: PubMed 32051609 (cited by Labcorp Genetics (formerly Invitae), Labcorp); PubMed 34425242 (cited by Labcorp Genetics (formerly Invitae), Labcorp).

NM_001903.5(CTNNA1):c.1033C>T (p.Gln345Ter)

Gene: CTNNA1 (catenin alpha 1; plus strand). Cytogenetic location: 5q31.2.
Variant type: single nucleotide variant.
Coding change: c.1033C>T on transcript NM_001903.5 (MANE Select); coding-DNA position 1033, C replaced by T.
Protein change: p.Gln345Ter; replaces glutamine 345 with a stop codon.
Molecular consequence: nonsense.
Genome position (GRCh38, 1-based): chr5:138,827,689, C>T. VCF-style: chr5-138827689-C-T. GRCh37 (hg19) VCF-style: chr5-138163378-C-T.
Other names: c.1033C>T, p.Gln345Ter (NM_001290307.3, NM_001323982.2, NM_001323983.1 and 3 more transcripts); c.724C>T, p.Gln242Ter (NM_001290309.3); c.664C>T, p.Gln222Ter (NM_001290310.3); short protein forms Q222*, Q242*, Q345*.
Identifiers: ClinVar variation 1022142 (VCV001022142.12), dbSNP rs1760858446, ClinGen allele CA361131242.